The following is an entry in ClinVar:

NM_000809.4(GABRA4):c.1063A>G (p.Thr355Ala)

Gene: GABRA4 (gamma-aminobutyric acid type A receptor subunit alpha4; minus strand). Cytogenetic location: 4p12.
Variant type: single nucleotide variant.
Coding change: c.1063A>G on transcript NM_000809.4 (MANE Select); coding-DNA position 1063, A replaced by G.
Protein change: p.Thr355Ala; replaces threonine 355 with alanine.
Molecular consequence: missense variant.
Genome position (GRCh38, 1-based): chr4:46,965,041, T>C on the plus strand (A>G on the coding strand, the complement: GABRA4 is on the minus strand). VCF-style: chr4-46965041-T-C. GRCh37 (hg19) VCF-style: chr4-46967058-T-C.
Other names: c.1006A>G, p.Thr336Ala (NM_001204266.2); c.853A>G, p.Thr285Ala (NM_001204267.2); short protein forms T285A, T336A, T355A.
Identifiers: ClinVar variation 3041389 (VCV003041389.2), dbSNP rs45546331, ClinGen allele CA2907060.

ClinVar aggregate classification (germline): Likely benign (0 of 4 stars; one submission).

Conditions:
GABRA4-related disorder. Also called: GABRA4-related condition.

Allele frequency attached by ClinVar (database versions not stated): 1000 Genomes Project 0.00060; 1000 Genomes Project 30x 0.00078; ExAC 0.00141; TOPMed 0.00181; gnomAD 0.00193; ESP Exome Variant Server 0.00208; gnomAD exomes 0.00340.
gnomAD v4.1: 5,157 of 1,612,096 alleles (0.32%); highest among the groups gnomAD compares: Non-Finnish European, 0.42%; 10 homozygotes.

Submission:

PreventionGenetics, part of Exact Sciences
Classification: Likely benign for GABRA4-related condition. Last evaluated: 2023-06-02. Review status: no assertion criteria provided. Collection method: clinical testing. Allele origin: germline.
Comment: This variant is classified as likely benign based on ACMG/AMP sequence variant interpretation guidelines (Richards et al. 2015 PMID: 25741868, with internal and published modifications).